The following is an entry in ClinVar:

NM_001220.5(CAMK2B):c.1394A>C (p.Glu465Ala)

Gene: CAMK2B (calcium/calmodulin dependent protein kinase II beta; minus strand). Cytogenetic location: 7p13.
Variant type: single nucleotide variant.
Coding change: c.1394A>C on transcript NM_001220.5 (MANE Select); coding-DNA position 1394, A replaced by C.
Protein change: p.Glu465Ala; replaces glutamic acid 465 with alanine.
Molecular consequence: missense variant. On other transcripts: intron variant (8).
Genome position (GRCh38, 1-based): chr7:44,228,870, T>G on the plus strand (A>C on the coding strand, the complement: CAMK2B is on the minus strand). VCF-style: chr7-44228870-T-G. GRCh37 (hg19) VCF-style: chr7-44268469-T-G.
Other names: c.947-7969A>C (NM_172084.3); c.1150+2136A>C (NM_172080.3); c.1036+2136A>C (NM_172083.3); c.1108+2136A>C (NM_172081.3); c.1153+2136A>C (NM_172079.3, NM_172082.3); c.1225+2136A>C (NM_001293170.2, NM_172078.3); short protein forms E465A.
Identifiers: ClinVar variation 2094584 (VCV002094584.4), dbSNP rs1290485813, ClinGen allele CA367373159.

ClinVar aggregate classification (germline): Uncertain significance (1 of 4 stars; one submission).

Allele frequency attached by ClinVar (database versions not stated): gnomAD 0.00001.
gnomAD v4.1: 2 of 1,563,990 alleles (0.00013%); highest among the groups gnomAD compares: Non-Finnish European, 0.00017%; no homozygotes.

Submission:

Labcorp Genetics (formerly Invitae), Labcorp
Classification: Uncertain significance. Last evaluated: 2025-09-16. Review status: criteria provided, single submitter. Criteria: Invitae Variant Classification Sherloc (09022015). Collection method: clinical testing. Allele origin: germline.
Comment: This sequence change replaces glutamic acid, which is acidic and polar, with alanine, which is neutral and non-polar, at codon 465 of the CAMK2B protein (p.Glu465Ala). This variant is present in population databases (no rsID available, gnomAD 0.007%). This variant has not been reported in the literature in individuals affected with CAMK2B-related conditions. ClinVar contains an entry for this variant (Variation ID: 2094584). An algorithm developed to predict the effect of missense changes on protein structure and function (PolyPhen-2) suggests that this variant is likely to be tolerated. In summary, the available evidence is currently insufficient to determine the role of this variant in disease. Therefore, it has been classified as a Variant of Uncertain Significance.